The following is an entry in ClinVar:

ClinVar aggregate classification (germline): Uncertain significance (1 of 4 stars; one submission).

Allele frequency attached by ClinVar (database versions not stated): ExAC 0.00001; gnomAD 0.00001 and 0.00002; gnomAD exomes 0.00001; TOPMed 0.00001; ESP Exome Variant Server 0.00008.
gnomAD v4.1: 14 of 1,614,048 alleles (0.00087%); highest among the groups gnomAD compares: Admixed American, 0.0017%; no homozygotes.

Submission:

Genetic Services Laboratory, University of Chicago
Classification: Uncertain significance. Last evaluated: 2021-08-09. Review status: criteria provided, single submitter. Criteria: ACMG Guidelines, 2015. Collection method: clinical testing. Allele origin: germline. Affected: no.
Comment: The sequence change, c.1123G>C, in exon 8 results in an amino acid change, p.Gly375Arg. This sequence change does not appear to have been previously described in individual with MPI-related disorders. This sequence change has been described in a Latino/admixed American and an non-Finnish European in the gnomAD population database (dbSNP rs148707185). The p.Gly375Arg change affects a highly conserved amino acid residue located in a domain of the MPI protein that is known to be functional. The p.Gly375Arg substitution appears to be deleterious using several in-silico pathogenicity prediction tools (SIFT, PolyPhen2, Align GVGD, REVEL). Due to these contrasting evidences and the lack of functional studies, the clinical significance of the p.Gly375Arg change remains unknown at this time.

NM_002435.3(MPI):c.1123G>C (p.Gly375Arg)

Gene: MPI (mannose phosphate isomerase; plus strand). Cytogenetic location: 15q24.1.
Variant type: single nucleotide variant.
Coding change: c.1123G>C on transcript NM_002435.3 (MANE Select); coding-DNA position 1123, G replaced by C.
Protein change: p.Gly375Arg; replaces glycine 375 with arginine.
Molecular consequence: missense variant. On other transcripts: 3 prime UTR variant (1).
Genome position (GRCh38, 1-based): chr15:74,897,581, G>C. VCF-style: chr15-74897581-G-C. GRCh37 (hg19) VCF-style: chr15-75189922-G-C.
Other names: c.*50G>C (NM_001289155.2); c.973G>C, p.Gly325Arg (NM_001289156.2); c.940G>C, p.Gly314Arg (NM_001289157.2); c.1063G>C, p.Gly355Arg (NM_001330372.2); short protein forms G314R, G325R, G355R, G375R.
Identifiers: ClinVar variation 1338652 (VCV001338652.4), dbSNP rs148707185, ClinGen allele CA7662650.
Genomic context (GRCh38, chr15:74,897,581, plus strand): 5'-TCTGTCACTGAATACAAGGTCTTGGCACTGGACTCTGCCAGCATCCTCCTGATGGTACAG[G>C]GGACAGTAATAGCCAGCACACCCACAACCCAGACACCAATCCCTCTGCAACGTGGTGGCG-3'
Protein context (NP_002426.1, residues 365-385): DSASILLMVQ[Gly375Arg]TVIASTPTTQ